The following is an entry in ClinVar:

NM_033100.4(CDHR1):c.783+5G>A

Gene: CDHR1 (cadherin related family member 1; plus strand). Cytogenetic location: 10q23.1.
Variant type: single nucleotide variant.
Coding change: c.783+5G>A on transcript NM_033100.4 (MANE Select); 5 bases into the intron after coding-DNA position 783, G replaced by A.
Molecular consequence: intron variant.
Genome position (GRCh38, 1-based): chr10:84,203,128, G>A. VCF-style: chr10-84203128-G-A. GRCh37 (hg19) VCF-style: chr10-85962884-G-A.
Other names: c.783+5G>A (NM_001171971.3).
Identifiers: ClinVar variation 1997525 (VCV001997525.4), dbSNP rs2492498019, ClinGen allele CA2580082060.

ClinVar aggregate classification (germline): Uncertain significance (1 of 4 stars; one submission).

gnomAD v4.1: 1 of 1,614,150 alleles (0.000062%); no homozygotes.

Submission:

Labcorp Genetics (formerly Invitae), Labcorp
Classification: Uncertain significance. Last evaluated: 2022-11-08. Review status: criteria provided, single submitter. Criteria: Invitae Variant Classification Sherloc (09022015). Collection method: clinical testing. Allele origin: germline.
Comment: Variants that disrupt the consensus splice site are a relatively common cause of aberrant splicing (PMID: 17576681, 9536098). Algorithms developed to predict the effect of sequence changes on RNA splicing suggest that this variant may disrupt the consensus splice site. This variant has been observed in individual(s) with clinical features of retinitis pigmentosa (Invitae). In at least one individual the data is consistent with being in trans (on the opposite chromosome) from a pathogenic variant. This variant is not present in population databases (gnomAD no frequency). This sequence change falls in intron 8 of the CDHR1 gene. It does not directly change the encoded amino acid sequence of the CDHR1 protein. It affects a nucleotide within the consensus splice site. In summary, the available evidence is currently insufficient to determine the role of this variant in disease. Therefore, it has been classified as a Variant of Uncertain Significance.

Literature cited by the submitters: PubMed 17576681; PubMed 9536098.